The following is an entry in ClinVar:

ClinVar aggregate classification (germline): Benign/Likely benign. Review status: criteria provided, multiple submitters, no conflicts (2 of 4 stars). 5 submissions from 5 submitters: Benign (2); Likely benign (2). 1 of the submissions does not count toward it. Last evaluated 2025-09-14.

Conditions:
SMC3-related disorder. Also called: SMC3-related condition.
Inborn genetic diseases. Identifiers: MedGen C0950123, MeSH D030342.
Cornelia de Lange syndrome 3 (CDLS3). Also called: SMC3-Related Cornelia de Lange Syndrome; CORNELIA DE LANGE SYNDROME 3 WITH OR WITHOUT MIDLINE BRAIN DEFECTS. Identifiers: Orphanet 199, MedGen C1853099, MONDO:0012555, OMIM 610759.

Allele frequency attached by ClinVar (database versions not stated): gnomAD exomes 0.00014; ExAC 0.00021; gnomAD 0.00064; TOPMed 0.00073; ESP Exome Variant Server 0.00108; 1000 Genomes Project 30x 0.00125; 1000 Genomes Project 0.00140.
gnomAD v4.1: 148 of 1,607,260 alleles (0.0092%); highest among the groups gnomAD compares: African/African-American, 0.18%; no homozygotes.

Submissions (5):

Labcorp Genetics (formerly Invitae), Labcorp
Classification: Benign for Cornelia de Lange syndrome 3. Last evaluated: 2025-09-14. Review status: criteria provided, single submitter. Criteria: Invitae Variant Classification Sherloc (09022015). Collection method: clinical testing. Allele origin: germline.

Blueprint Genetics
Classification: Likely benign. Last evaluated: 2023-06-20. Review status: criteria provided, single submitter. Criteria: ACMG Guidelines, 2015. Collection method: clinical testing. Allele origin: germline.

Ambry Genetics
Classification: Likely benign for Inborn genetic diseases. Last evaluated: 2016-12-29. Review status: criteria provided, single submitter. Criteria: Ambry Variant Classification Scheme 2023. Collection method: clinical testing. Allele origin: germline.

Athena Diagnostics
Classification: Benign. Last evaluated: 2016-10-17. Review status: criteria provided, single submitter. Criteria: Athena Diagnostics Criteria. Collection method: clinical testing. Allele origin: germline.

PreventionGenetics, part of Exact Sciences
Classification: Likely benign for SMC3-related condition. Last evaluated: 2019-08-28. Review status: no assertion criteria provided. Collection method: clinical testing. Allele origin: germline. Not counted in ClinVar's aggregate classification.
Comment: This variant is classified as likely benign based on ACMG/AMP sequence variant interpretation guidelines (Richards et al. 2015 PMID: 25741868, with internal and published modifications).

NM_005445.4(SMC3):c.3495T>A (p.Ala1165=)

Gene: SMC3 (structural maintenance of chromosomes 3; plus strand). Cytogenetic location: 10q25.2.
Variant type: single nucleotide variant.
Coding change: c.3495T>A on transcript NM_005445.4 (MANE Select); coding-DNA position 3495, T replaced by A.
Protein change: p.Ala1165=; no amino-acid change (alanine 1165 retained).
Molecular consequence: synonymous variant.
Genome position (GRCh38, 1-based): chr10:110,603,203, T>A. VCF-style: chr10-110603203-T-A. GRCh37 (hg19) VCF-style: chr10-112362961-T-A.
Identifiers: ClinVar variation 448423 (VCV000448423.19), dbSNP rs142395521, ClinGen allele CA5688435.